The following is an entry in ClinVar:

ClinVar aggregate classification (germline): Pathogenic (1 of 4 stars; one submission).

Conditions:
Rhabdoid tumor predisposition syndrome 2 (RTPS2). Identifiers: Orphanet 231108, Orphanet 69077, MedGen C2750074, MONDO:0013224, OMIM 613325.

Submission:

Labcorp Genetics (formerly Invitae), Labcorp
Classification: Pathogenic for Rhabdoid tumor predisposition syndrome 2. Last evaluated: 2022-08-23. Review status: criteria provided, single submitter. Criteria: Invitae Variant Classification Sherloc (09022015). Collection method: clinical testing. Allele origin: germline.
Comment: For these reasons, this variant has been classified as Pathogenic. ClinVar contains an entry for this variant (Variation ID: 933950). This variant has not been reported in the literature in individuals affected with SMARCA4-related conditions. This variant is not present in population databases (gnomAD no frequency). This sequence change creates a premature translational stop signal (p.Gln1012Alafs*9) in the SMARCA4 gene. It is expected to result in an absent or disrupted protein product. Loss-of-function variants in SMARCA4 are known to be pathogenic (PMID: 24658001, 24658002).

Literature cited by the submitters: PubMed 24658001; PubMed 24658002.

NM_003072.5(SMARCA4):c.3033dup (p.Gln1012fs)

Gene: SMARCA4 (SWI/SNF related BAF chromatin remodeling complex subunit ATPase 4; plus strand). Cytogenetic location: 19p13.2.
Variant type: Duplication.
Coding change: c.3033dup on transcript NM_003072.5 (MANE Select); coding-DNA position 3033, one base duplicated (G; older notation c.3033dupG).
Protein change: p.Gln1012fs; shifts the reading frame from glutamine 1012.
Molecular consequence: frameshift variant. On other transcripts: non-coding transcript variant (1).
Genome position (GRCh38, 1-based): chr19:11,024,390, G duplicated. VCF-style (leftmost placement, unchanged base first): chr19-11024389-T-TG. GRCh37 (hg19) VCF-style: chr19-11135065-T-TG.
Other names: c.3033dup, p.Gln1012fs (NM_001128844.3, NM_001128845.2, NM_001128846.2 and 4 more transcripts); short protein forms Q1012fs.
Identifiers: ClinVar variation 933950 (VCV000933950.7), dbSNP rs2090100956, ClinGen allele CA1139666229.